The following is an entry in ClinVar:

NM_000212.3(ITGB3):c.1431C>T (p.Gly477=)

Gene: ITGB3 (integrin subunit beta 3; plus strand). Cytogenetic location: 17q21.32.
Variant type: single nucleotide variant.
Coding change: c.1431C>T on transcript NM_000212.3 (MANE Select); coding-DNA position 1431, C replaced by T.
Protein change: p.Gly477=; no amino-acid change (glycine 477 retained).
Molecular consequence: synonymous variant.
Genome position (GRCh38, 1-based): chr17:47,292,309, C>T. VCF-style: chr17-47292309-C-T. GRCh37 (hg19) VCF-style: chr17-45369675-C-T.
Other names: NM_000212.3:c.1431C>T.
Identifiers: ClinVar variation 3242396 (VCV003242396.1), dbSNP rs2547619081.

ClinVar aggregate classification (germline): Pathogenic (3 of 4 stars; one submission).

Conditions:
Glanzmann thrombasthenia. Also called: PLATELET GLYCOPROTEIN IIb-IIIa DEFICIENCY; Thrombasthenia; Glanzmann's thrombasthenia; BLEEDING DISORDER, PLATELET-TYPE, 2; THROMBASTHENIA OF GLANZMANN AND NAEGELI. Identifiers: Orphanet 849, MedGen C0040015, MONDO:0100326.

Submission:

ClinGen Platelet Disorders Variant Curation Expert Panel, ClinGen
Classification: Pathogenic for Glanzmann thrombasthenia. Last evaluated: 2024-02-20. Review status: reviewed by expert panel. Criteria: ClinGen Platelet ACMG Specifications v2-1. Collection method: curation. Allele origin: germline. Inheritance: Autosomal recessive inheritance.
Comment: The c.1431C>T variant in ITGB3 is a single nucleotide substitution that does not alter the protein sequence (p.Gly477=). RT-PCR and sequencing revealed that the variant caused a deletion of 95 base pairs (c.1430_1524del) with a frameshift, which subsequently created a premature stop codon in exon 10 of ITGB3 (p. G477Afs*30). This is predicted to cause nonsense-mediated decay. (PMID: 36704147; PVS1). This variant is absent in gnomADv4.0.0 (PM2_supporting). In summary, this variant meets the criteria to be classified as Pathogenic for autosomal recessive Glanzmann Thrombasthenia based on the ACMG/AMP criteria applied, as specified by the ClinGen PD VCEP: PVS1, PM3_Supporting, PM2_Supporting.